The following is an entry in ClinVar:

NM_014915.3(ANKRD26):c.4814C>T (p.Pro1605Leu)

Gene: ANKRD26 (ankyrin repeat domain 26; minus strand). Cytogenetic location: 10p12.1.
Variant type: single nucleotide variant.
Coding change: c.4814C>T on transcript NM_014915.3 (MANE Select); coding-DNA position 4814, C replaced by T.
Protein change: p.Pro1605Leu; replaces proline 1605 with leucine.
Molecular consequence: missense variant.
Genome position (GRCh38, 1-based): chr10:27,013,021, G>A on the plus strand (C>T on the coding strand, the complement: ANKRD26 is on the minus strand). VCF-style: chr10-27013021-G-A. GRCh37 (hg19) VCF-style: chr10-27301950-G-A.
Other names: c.4811C>T, p.Pro1604Leu (NM_001256053.2); short protein forms P1605L, P1604L.
Identifiers: ClinVar variation 3915522 (VCV003915522.2).

ClinVar aggregate classification (germline): Uncertain significance (1 of 4 stars; one submission).

Conditions:
Inborn genetic diseases. Identifiers: MedGen C0950123, MeSH D030342.

gnomAD v4.1: 2 of 1,614,024 alleles (0.00012%); highest among the groups gnomAD compares: Non-Finnish European, 0.00017%; no homozygotes.

Submission:

Ambry Genetics
Classification: Uncertain significance for Inborn genetic diseases. Last evaluated: 2025-11-08. Review status: criteria provided, single submitter. Criteria: Ambry Variant Classification Scheme 2023. Collection method: clinical testing. Allele origin: germline.
Comment: The p.P1605L variant (also known as c.4814C>T), located in coding exon 32 of the ANKRD26 gene, results from a C to T substitution at nucleotide position 4814. The proline at codon 1605 is replaced by leucine, an amino acid with similar properties. This amino acid position is conserved. In addition, this alteration is predicted to be tolerated by in silico analysis. Based on the available evidence, the clinical significance of this variant remains unclear.